The following is an entry in ClinVar:

ClinVar aggregate classification (germline): Uncertain significance (1 of 4 stars; one submission).

Conditions:
Phelan-McDermid syndrome. Also called: TELOMERIC 22q13 MONOSOMY SYNDROME; 22q13.3 deletion syndrome; Phelan-McDermid Syndrome-SHANK3 Related. Identifiers: Orphanet 48652, MedGen C1853490, MONDO:0011652, OMIM 606232.

Submission:

MGZ Medical Genetics Center
Classification: Uncertain significance for Phelan-McDermid syndrome. Last evaluated: 2022-01-20. Review status: criteria provided, single submitter. Criteria: ACMG Guidelines, 2015. Collection method: clinical testing. Allele origin: germline. Affected: yes. Observed: 1 variant allele.
Comment: ACMG criteria applied: PM2_SUP, PP2

NM_001372044.2(SHANK3):c.4730A>G (p.Gln1577Arg)

Gene: SHANK3 (SH3 and multiple ankyrin repeat domains 3; plus strand). Cytogenetic location: 22q13.33.
Variant type: single nucleotide variant.
Coding change: c.4730A>G on transcript NM_001372044.2 (MANE Select); coding-DNA position 4730, A replaced by G.
Protein change: p.Gln1577Arg; replaces glutamine 1577 with arginine.
Molecular consequence: missense variant.
Genome position (GRCh38, 1-based): chr22:50,722,338, A>G. VCF-style: chr22-50722338-A-G. GRCh37 (hg19) VCF-style: chr22-51160766-A-G.
Other names: c.4505A>G, p.Gln1502Arg (NM_033517.1); short protein forms Q1502R, Q1577R.
Identifiers: ClinVar variation 1709033 (VCV001709033.2), dbSNP rs2518430579, ClinGen allele CA515265229.
Genomic context (GRCh38, chr22:50,722,338, plus strand): 5'-GGCTCCCTGGGCCTGAAGACGACAAACCAACTGTGATCAGTGAGCTCAGCTCCCGCCTGC[A>G]GCAGCTGAACAAGGACACGCGTTCCCTGGGGGAGGAACCAGTTGGTGGCCTGGGCAGCCT-3'
Protein context (NP_001358973.1, residues 1567-1587): TVISELSSRL[Gln1577Arg]QLNKDTRSLG